The following is an entry in ClinVar:

NM_001845.6(COL4A1):c.2411C>A (p.Pro804His)

Gene: COL4A1 (collagen type IV alpha 1 chain; minus strand). Cytogenetic location: 13q34.
Variant type: single nucleotide variant.
Coding change: c.2411C>A on transcript NM_001845.6 (MANE Select); coding-DNA position 2411, C replaced by A.
Protein change: p.Pro804His; replaces proline 804 with histidine.
Molecular consequence: missense variant.
Genome position (GRCh38, 1-based): chr13:110,178,970, G>T on the plus strand (C>A on the coding strand, the complement: COL4A1 is on the minus strand). VCF-style: chr13-110178970-G-T. GRCh37 (hg19) VCF-style: chr13-110831317-G-T.
Other names: short protein forms P804H.
Identifiers: ClinVar variation 3899715 (VCV003899715.1).

ClinVar aggregate classification (germline): Uncertain significance (1 of 4 stars; one submission).

Submission:

GeneDx
Classification: Uncertain significance. Last evaluated: 2024-11-17. Review status: criteria provided, single submitter. Criteria: GeneDx Variant Classification Process June 2021. Collection method: clinical testing. Allele origin: germline. Affected: yes.
Comment: Not observed at significant frequency in large population cohorts (gnomAD); In silico analysis supports that this missense variant has a deleterious effect on protein structure/function; Has not been previously published as pathogenic or benign to our knowledge